The following is an entry in ClinVar:

ClinVar aggregate classification (germline): Conflicting classifications of pathogenicity. Review status: criteria provided, conflicting classifications (1 of 4 stars). 2 submissions from 2 submitters: Uncertain significance (1); Likely benign (1). Last evaluated 2025-10-01.

Allele frequency attached by ClinVar (database versions not stated): ExAC 0.00008; 1000 Genomes Project 30x 0.00016; 1000 Genomes Project 0.00020; gnomAD 0.00020; TOPMed 0.00044.
gnomAD v4.1: 87 of 1,613,882 alleles (0.0054%); highest among the groups gnomAD compares: Admixed American, 0.072%; no homozygotes.

Submissions (2):

Labcorp Genetics (formerly Invitae), Labcorp
Classification: Likely benign. Last evaluated: 2025-10-01. Review status: criteria provided, single submitter. Criteria: Invitae Variant Classification Sherloc (09022015). Collection method: clinical testing. Allele origin: germline.

GeneDx
Classification: Uncertain significance. Last evaluated: 2024-08-13. Review status: criteria provided, single submitter. Criteria: GeneDx Variant Classification Process June 2021. Collection method: clinical testing. Allele origin: germline. Affected: yes.
Comment: In silico analysis supports a deleterious effect on splicing; In silico analysis indicates that this missense variant does not alter protein structure/function; Has not been previously published as pathogenic or benign to our knowledge

NM_145068.4(TRPV3):c.1061C>T (p.Ala354Val)

Gene: TRPV3 (transient receptor potential cation channel subfamily V member 3; minus strand). Cytogenetic location: 17p13.2.
Variant type: single nucleotide variant.
Coding change: c.1061C>T on transcript NM_145068.4 (MANE Select); coding-DNA position 1061, C replaced by T.
Protein change: p.Ala354Val; replaces alanine 354 with valine.
Molecular consequence: missense variant.
Genome position (GRCh38, 1-based): chr17:3,532,661, G>A on the plus strand (C>T on the coding strand, the complement: TRPV3 is on the minus strand). VCF-style: chr17-3532661-G-A. GRCh37 (hg19) VCF-style: chr17-3435955-G-A.
Other names: c.1061C>T (NM_145068.3); c.1061C>T, p.Ala354Val (NM_001258205.2); short protein forms A354V.
Identifiers: ClinVar variation 2045570 (VCV002045570.4), dbSNP rs541746987, ClinGen allele CA8289629.
Genomic context (GRCh38, chr17:3,532,661, plus strand): 5'-GCAGCTGTACCTCCTGACCTCCCGACCTCCTGCCTCCCCACGCCCCATGGCCCCACCTCC[G>A]CCTTGCCCATCTTGGCGGCCAGCTGCAGCGGCGTGAGGCCATCGTTGTTGCGAGTGGTCT-3'
Protein context (NP_659505.1, residues 344-364): PLQLAAKMGK[Ala354Val]EILKYILSRE